The following is an entry in ClinVar:

ClinVar aggregate classification (germline): Conflicting classifications of pathogenicity. Review status: criteria provided, conflicting classifications (1 of 4 stars). 3 submissions from 3 submitters: Pathogenic (1); Uncertain significance (2). Last evaluated 2025-11-11.

Conditions:
Autosomal dominant nonsyndromic hearing loss 3B. Identifiers: Orphanet 90635, MedGen C2675237, MONDO:0012975, OMIM 612643.
Hidrotic ectodermal dysplasia syndrome (GJB6). Also called: CLOUSTON HIDROTIC ECTODERMAL DYSPLASIA; Ectodermal dysplasia 2, hidrotic; Autosomal dominant hidrotic ectodermal dysplasia; Clouston syndrome; Clouston's hidrotic ectodermal dysplasia; Hidrotic ectodermal dysplasia. Identifiers: Orphanet 189, MedGen C0162361, MONDO:0007510, OMIM 129500.
Autosomal recessive nonsyndromic hearing loss 1A (DFNB1A). Also called: GJB6-Related DFNB 1 Nonsyndromic Hearing Loss and Deafness; Deafness, autosomal recessive 1A; Connexin 26 deafness; Deafness nonsyndromic, Connexin 26 linked; Nonsyndromic Hearing Loss and Deafness, DFNB1; GJB2-Related Autosomal Recessive Nonsyndromic Hearing Loss. Identifiers: Orphanet 90636, MedGen C2673759, MONDO:0009076, OMIM 220290.
Autosomal recessive nonsyndromic hearing loss 1B. Also called: DEAFNESS, AUTOSOMAL RECESSIVE 1B. Identifiers: Orphanet 90636, MedGen C2675235, MONDO:0012977, OMIM 612645.

Allele frequency attached by ClinVar (database versions not stated): gnomAD exomes below 0.00001.
gnomAD v4.1: 2 of 1,611,762 alleles (0.00012%); highest among the groups gnomAD compares: Non-Finnish European, 0.00017%; no homozygotes.

Submissions (3):

Women's Health and Genetics/Laboratory Corporation of America, LabCorp
Classification: Uncertain significance. Last evaluated: 2025-11-11. Review status: criteria provided, single submitter. Criteria: LabCorp Variant Classification Summary - May 2015. Collection method: clinical testing. Allele origin: germline.
Comment: Variant summary: GJB6 c.223C>T (p.Arg75Trp) results in a non-conservative amino acid change in the encoded protein sequence. Algorithms developed to predict the effect of missense changes on protein structure and function all suggest that this variant is likely to be disruptive. The variant was absent in 251076 control chromosomes (gnomAD). The available data on variant occurrences in the general population are insufficient to allow any conclusion about variant significance. c.223C>T has been observed in individuals affected with deafness (internal data). These data do not allow any conclusion about variant significance. To our knowledge, no experimental evidence demonstrating an impact on protein function has been reported. ClinVar contains an entry for this variant (Variation ID: 1474469). Based on the evidence outlined above, the variant was classified as uncertain significance.

Labcorp Genetics (formerly Invitae), Labcorp
Classification: Uncertain significance for Autosomal dominant nonsyndromic hearing loss 3B; Hidrotic ectodermal dysplasia syndrome; Autosomal recessive nonsyndromic hearing loss 1B; Autosomal recessive nonsyndromic hearing loss 1A. Last evaluated: 2025-06-11. Review status: criteria provided, single submitter. Criteria: Invitae Variant Classification Sherloc (09022015). Collection method: clinical testing. Allele origin: germline.
Comment: This sequence change replaces arginine, which is basic and polar, with tryptophan, which is neutral and slightly polar, at codon 75 of the GJB6 protein (p.Arg75Trp). This variant is not present in population databases (gnomAD no frequency). This missense change has been observed in individual(s) with deafness (internal data). It has also been observed to segregate with disease in related individuals. ClinVar contains an entry for this variant (Variation ID: 1474469). Invitae Evidence Modeling of protein sequence and biophysical properties (such as structural, functional, and spatial information, amino acid conservation, physicochemical variation, residue mobility, and thermodynamic stability) indicates that this missense variant is expected to disrupt GJB6 protein function with a positive predictive value of 80%. In summary, the available evidence is currently insufficient to determine the role of this variant in disease. Therefore, it has been classified as a Variant of Uncertain Significance.

Precision Medicine Center, Zhengzhou University
Classification: Pathogenic for Autosomal dominant nonsyndromic hearing loss 3B. Last evaluated: 2024-06-10. Review status: criteria provided, single submitter. Criteria: ACMG Guidelines, 2015. Collection method: clinical testing. Allele origin: germline. Inheritance: Autosomal dominant inheritance. Affected: yes. Observed: 18 variant alleles. Clinical features observed: Adult onset sensorineural hearing impairment (HP:0008615), Autosomal dominant inheritance (HP:0000006).
Comment: this variant was observed in a five-generation family with autosomal dominant postlingual hearing loss, and whole-genome linkage analysis and whole-exome sequencing indicated that the variant (NM_001110219.3: c.223C＞T, R75W) in the GJB6 gene located within 13q11-13q14.13 was responsible for the hearing loss in the family. A knock-in mouse model was generated and the mice showed a similar hearing loss phenotype.

Literature cited by the submitters: PubMed 30311386 (cited by Precision Medicine Center, Zhengzhou University).

NM_001110219.3(GJB6):c.223C>T (p.Arg75Trp)

Gene: GJB6 (gap junction protein beta 6; minus strand). Cytogenetic location: 13q12.11.
Variant type: single nucleotide variant.
Coding change: c.223C>T on transcript NM_001110219.3 (MANE Select); coding-DNA position 223, C replaced by T.
Protein change: p.Arg75Trp; replaces arginine 75 with tryptophan.
Molecular consequence: missense variant.
Genome position (GRCh38, 1-based): chr13:20,223,258, G>A on the plus strand (C>T on the coding strand, the complement: GJB6 is on the minus strand). VCF-style: chr13-20223258-G-A. GRCh37 (hg19) VCF-style: chr13-20797397-G-A.
Other names: c.223C>T, p.Arg75Trp (NM_001110220.3, NM_001110221.3, NM_001370090.1 and 3 more transcripts); short protein forms R75W.
Identifiers: ClinVar variation 1474469 (VCV001474469.10), dbSNP rs2137333664, ClinGen allele CA387468573.
Genomic context (GRCh38, chr13:20,223,258, plus strand): 5'-CATGCATGGCCACCAGCAGCGCTGGGGTGGAGACGAAGATCAGCTGGAGGGCCCACAGCC[G>A]GATGTGGGACACCGGGAAAAAGTGGTCATAGCACACATTTTTGCATCCCGGTTGCAGTGT-3'
Protein context (NP_001103689.1, residues 65-85): YDHFFPVSHI[Arg75Trp]LWALQLIFVS